The following is an entry in ClinVar:

ClinVar aggregate classification (germline): Benign. Review status: criteria provided, multiple submitters, no conflicts (2 of 4 stars). 17 submissions from 14 submitters: Benign (17). Last evaluated 2026-02-04.

Conditions:
Cardiovascular phenotype. Identifiers: MedGen CN230736.
Megacystis-microcolon-intestinal hypoperistalsis syndrome 2. Identifiers: MedGen C5543476, MONDO:0025708, OMIM 619351.
Visceral myopathy 2. Identifiers: MedGen C5543466, MONDO:0859157, OMIM 619350.
Familial thoracic aortic aneurysm and aortic dissection (TAAD). Also called: Thoracic aortic aneurysms and dissections. Identifiers: Orphanet 91387, MedGen C4707243, MONDO:0019625.
Aortic aneurysm, familial thoracic 4 (AAT4). Also called: AORTIC ANEURYSM/AORTIC DISSECTION AND PATENT DUCTUS ARTERIOSUS. Identifiers: MedGen C1851504, MONDO:0007568, OMIM 132900.

Allele frequency attached by ClinVar (database versions not stated): gnomAD 0.06148 and 0.06305; ESP Exome Variant Server 0.06303; TOPMed 0.06379; ExAC 0.06475; gnomAD exomes 0.06494 and 0.06739; 1000 Genomes Project 30x 0.08136; 1000 Genomes Project 0.08387.
gnomAD v4.1: 108,722 of 1,613,574 alleles (6.7%); highest among the groups gnomAD compares: East Asian, 15%; 4,133 homozygotes.

Submissions (17):

Labcorp Genetics (formerly Invitae), Labcorp
Classification: Benign for Aortic aneurysm, familial thoracic 4. Last evaluated: 2026-02-04. Review status: criteria provided, single submitter. Criteria: Invitae Variant Classification Sherloc (09022015). Collection method: clinical testing. Allele origin: germline.

ARUP Laboratories, Molecular Genetics and Genomics, ARUP Laboratories
Classification: Benign. Last evaluated: 2025-07-28. Review status: criteria provided, single submitter. Criteria: ARUP Molecular Germline Variant Investigation Process 2024. Collection method: clinical testing. Allele origin: germline.

Molecular Diagnostic Laboratory for Inherited Cardiovascular Disease, Montreal Heart Institute
Classification: Benign. Last evaluated: 2025-04-09. Review status: criteria provided, single submitter. Criteria: ACMG Guidelines, 2015. Collection method: clinical testing. Allele origin: germline. Affected: no.

Blueprint Genetics
Classification: Benign. Last evaluated: 2024-11-27. Review status: criteria provided, single submitter. Criteria: ACMG Guidelines, 2015. Collection method: clinical testing. Allele origin: germline.

All of Us Research Program, National Institutes of Health
Classification: Benign for Familial thoracic aortic aneurysm and aortic dissection. Last evaluated: 2024-02-05. Review status: criteria provided, single submitter. Criteria: ACMG Guidelines, 2015. Collection method: clinical testing. Allele origin: germline. Inheritance: Autosomal dominant inheritance. Observed: 13,681 variant alleles, 13,135 heterozygotes, 546 homozygotes.
Comment: This study involves interpretation of variants in research participants for the purpose of population health screening. Participant phenotype was not available at the time of variant classification. Additional details can be found in publication PMID: 35346344, PMCID: PMC8962531

Genome-Nilou Lab
Classification: Benign for Aortic aneurysm, familial thoracic 4. Last evaluated: 2021-09-05. Review status: criteria provided, single submitter. Criteria: ACMG Guidelines, 2015. Collection method: clinical testing. Allele origin: germline. Affected: no.

Genome-Nilou Lab
Classification: Benign for Megacystis-microcolon-intestinal hypoperistalsis syndrome 2. Last evaluated: 2021-09-05. Review status: criteria provided, single submitter. Criteria: ACMG Guidelines, 2015. Collection method: clinical testing. Allele origin: germline. Affected: no.

Genome-Nilou Lab
Classification: Benign for Visceral myopathy 2. Last evaluated: 2021-09-05. Review status: criteria provided, single submitter. Criteria: ACMG Guidelines, 2015. Collection method: clinical testing. Allele origin: germline. Affected: no.

Color Diagnostics, LLC DBA Color Health
Classification: Benign for Familial thoracic aortic aneurysm and aortic dissection. Last evaluated: 2018-03-07. Review status: criteria provided, single submitter. Criteria: ACMG Guidelines, 2015. Collection method: clinical testing. Allele origin: germline.

Illumina Laboratory Services, Illumina
Classification: Benign for Aortic aneurysm, familial thoracic 4. Last evaluated: 2018-01-13. Review status: criteria provided, single submitter. Criteria: ICSL Variant Classification Criteria 13 December 2019. Collection method: clinical testing. Allele origin: germline.
Comment: This variant was observed in the ICSL laboratory as part of a predisposition screen in an ostensibly healthy population. It had not been previously curated by ICSL or reported in the Human Gene Mutation Database (HGMD: prior to June 1st, 2018), and was therefore a candidate for classification through an automated scoring system. Utilizing variant allele frequency, disease prevalence and penetrance estimates, and inheritance mode, an automated score was calculated to assess if this variant is too frequent to cause the disease. Based on the score and internal cut-off values, a variant classified as benign is not then subjected to further curation. The score for this variant resulted in a classification of benign for this disease.

Ambry Genetics
Classification: Benign for Familial thoracic aortic aneurysm and aortic dissection. Last evaluated: 2015-02-26. Review status: criteria provided, single submitter. Criteria: Ambry Autosomal Dominant and X-Linked criteria (10/2015). Collection method: clinical testing. Allele origin: germline. Observed: 1 variant allele.
Comment: General population or subpopulation frequency is too high to be a pathogenic mutation based on disease/syndrome prevalence and penetrance;Seen in trans with a mutation or in homozygous state in individual without severe disease for that gene

Ambry Genetics
Classification: Benign for Cardiovascular phenotype. Last evaluated: 2014-11-24. Review status: criteria provided, single submitter. Criteria: Ambry Autosomal Dominant and X-Linked criteria (10/2015). Collection method: clinical testing. Allele origin: germline. Observed: 1 variant allele.

Mayo Clinic Laboratories, Mayo Clinic
Classification: Benign. Last evaluated: 2014-04-03. Review status: criteria provided, single submitter. Criteria: ACMG Guidelines, 2015. Collection method: clinical testing. Allele origin: germline. Observed: 171 variant alleles.

Laboratory for Molecular Medicine, Mass General Brigham Personalized Medicine
Classification: Benign. Last evaluated: 2013-04-04. Review status: criteria provided, single submitter. Criteria: LMM Criteria. Collection method: clinical testing. Allele origin: germline. Observed: 5 variant alleles.
Comment: Ser694Ser in exon 18 of MYH11: This variant is not expected to have clinical sig nificance because it does not alter an amino acid residue and is not located wit hin the splice consensus sequence. It has been identified in 6.7% (576/8600) of European American chromosomes from a broad population by the NHLBI Exome Sequenc ing Project (dbSNP rs880071).

GeneDx
Classification: Benign. Last evaluated: 2012-11-16. Review status: criteria provided, single submitter. Criteria: GeneDx Variant Classification (06012015). Collection method: clinical testing. Allele origin: germline. Affected: yes.
Comment: This variant is considered likely benign or benign based on one or more of the following criteria: it is a conservative change, it occurs at a poorly conserved position in the protein, it is predicted to be benign by multiple in silico algorithms, and/or has population frequency not consistent with disease.

Breakthrough Genomics
Classification: Benign. Review status: criteria provided, single submitter. Criteria: ACMG Guidelines, 2015. Collection method: not provided. Allele origin: germline. Inheritance: Autosomal recessive inheritance. Affected: yes.

PreventionGenetics, part of Exact Sciences
Classification: Benign. Review status: criteria provided, single submitter. Criteria: ACMG Guidelines, 2015. Collection method: clinical testing. Allele origin: germline.

NM_002474.3(MYH11):c.2061C>T (p.Ser687=)

Gene: MYH11 (myosin heavy chain 11; minus strand). Cytogenetic location: 16p13.11.
Variant type: single nucleotide variant.
Coding change: c.2061C>T on transcript NM_002474.3 (MANE Select); coding-DNA position 2061, C replaced by T.
Protein change: p.Ser687=; no amino-acid change (serine 687 retained).
Molecular consequence: synonymous variant.
Genome position (GRCh38, 1-based): chr16:15,748,166, G>A on the plus strand (C>T on the coding strand, the complement: MYH11 is on the minus strand). VCF-style: chr16-15748166-G-A. GRCh37 (hg19) VCF-style: chr16-15842023-G-A.
Other names: p.S687S:TCC>TCT; p.Ser694=; c.2082C>T, p.Ser694= (NM_001040113.2, NM_001040114.2); c.2061C>T, p.Ser687= (NM_022844.3).
Identifiers: ClinVar variation 138328 (VCV000138328.42), dbSNP rs880071, ClinGen allele CA292268.